The following is an entry in ClinVar:

NM_001312673.2(PCYT1A):c.73A>G (p.Thr25Ala)

Gene: PCYT1A (phosphate cytidylyltransferase 1A, choline; minus strand). Cytogenetic location: 3q29.
Variant type: single nucleotide variant.
Coding change: c.73A>G on transcript NM_001312673.2 (MANE Select); coding-DNA position 73, A replaced by G.
Protein change: p.Thr25Ala; replaces threonine 25 with alanine.
Molecular consequence: missense variant.
Genome position (GRCh38, 1-based): chr3:196,270,459, T>C on the plus strand (A>G on the coding strand, the complement: PCYT1A is on the minus strand). VCF-style: chr3-196270459-T-C. GRCh37 (hg19) VCF-style: chr3-195997330-T-C.
Other names: c.73A>G, p.Thr25Ala (NM_005017.4); c.73A>G (NM_005017.2); short protein forms T25A.
Identifiers: ClinVar variation 1463929 (VCV001463929.5), dbSNP rs200752223, ClinGen allele CA90807077.
Genomic context (GRCh38, chr3:196,270,459, plus strand): 5'-GTTAATCTCCACTTACCACTGCACAGCGCTGCACTTTGGAAGGAACCCCATCTTCTTCTG[T>C]TGCCCCGTTGGGTCCGGGCGCCTCTTTTCTCCTCTTCCTTGCATTGACCTTGGCTGAACA-3'
Protein context (NP_001299602.1, residues 15-35): RKEAPGPNGA[Thr25Ala]EEDGVPSKVQ

ClinVar aggregate classification (germline): Uncertain significance. Review status: criteria provided, multiple submitters, no conflicts (2 of 4 stars). 2 submissions from 2 submitters: Uncertain significance (2). Last evaluated 2024-10-25.

Conditions:
Inborn genetic diseases. Identifiers: MedGen C0950123, MeSH D030342.

Allele frequency attached by ClinVar (database versions not stated): gnomAD exomes below 0.00001 and 0.00001; TOPMed 0.00002.
gnomAD v4.1: 9 of 1,614,180 alleles (0.00056%); highest among the groups gnomAD compares: Admixed American, 0.0017%; no homozygotes.

Submissions (2):

Ambry Genetics
Classification: Uncertain significance for Inborn genetic diseases. Last evaluated: 2024-10-25. Review status: criteria provided, single submitter. Criteria: Ambry Variant Classification Scheme 2023. Collection method: clinical testing. Allele origin: germline.

Labcorp Genetics (formerly Invitae), Labcorp
Classification: Uncertain significance. Last evaluated: 2021-09-24. Review status: criteria provided, single submitter. Criteria: Invitae Variant Classification Sherloc (09022015). Collection method: clinical testing. Allele origin: germline.
Comment: This sequence change replaces threonine with alanine at codon 25 of the PCYT1A protein (p.Thr25Ala). The threonine residue is moderately conserved and there is a small physicochemical difference between threonine and alanine. In summary, the available evidence is currently insufficient to determine the role of this variant in disease. Therefore, it has been classified as a Variant of Uncertain Significance. Advanced modeling of protein sequence and biophysical properties (such as structural, functional, and spatial information, amino acid conservation, physicochemical variation, residue mobility, and thermodynamic stability) performed at Invitae indicates that this missense variant is not expected to disrupt PCYT1A protein function. This variant has not been reported in the literature in individuals affected with PCYT1A-related conditions. This variant is not present in population databases (ExAC no frequency).